The following is an entry in ClinVar:

ClinVar aggregate classification (germline): Conflicting classifications of pathogenicity. Review status: criteria provided, conflicting classifications (1 of 4 stars). 3 submissions from 3 submitters: Uncertain significance (2); Likely benign (1). Last evaluated 2026-03-10.

Conditions:
Charcot-Marie-Tooth disease axonal type 2U. Also called: CHARCOT-MARIE-TOOTH NEUROPATHY, TYPE 2U; CHARCOT-MARIE-TOOTH DISEASE, AXONAL, AUTOSOMAL DOMINANT, TYPE 2U. Identifiers: Orphanet 397735, MedGen C4084821, MONDO:0014566, OMIM 616280.
Severe early-onset pulmonary alveolar proteinosis due to MARS deficiency. Also called: Interstitial lung and liver disease; PULMONARY ALVEOLAR PROTEINOSIS, REUNION ISLAND. Identifiers: Orphanet 440427, MedGen C4225400, MONDO:0014206, OMIM 615486.
MARS1-related disorder. Also called: MARS1-related condition.

Allele frequency attached by ClinVar (database versions not stated): gnomAD 0.00001; gnomAD exomes 0.00001; TOPMed 0.00004.
gnomAD v4.1: 12 of 1,614,060 alleles (0.00074%); highest among the groups gnomAD compares: Admixed American, 0.0017%; no homozygotes.

Submissions (3):

PreventionGenetics, part of Exact Sciences
Classification: Uncertain significance for MARS1-related condition. Last evaluated: 2026-03-10. Review status: criteria provided, single submitter. Criteria: ACMG Guidelines, 2015. Collection method: clinical testing. Allele origin: germline.
Comment: The MARS1 c.323A>G variant is predicted to result in the amino acid substitution p.Lys108Arg. To our knowledge, this variant has not been reported in the literature. This variant is reported in 0.013% of alleles in individuals of European (non-Finnish) descent in gnomAD. At this time, the clinical significance of this variant is uncertain due to the absence of conclusive functional and genetic evidence.

Ambry Genetics
Classification: Likely benign. Last evaluated: 2023-12-12. Review status: criteria provided, single submitter. Criteria: Ambry Variant Classification Scheme 2023. Collection method: clinical testing. Allele origin: germline.

Labcorp Genetics (formerly Invitae), Labcorp
Classification: Uncertain significance for Charcot-Marie-Tooth disease axonal type 2U; Severe early-onset pulmonary alveolar proteinosis due to MARS deficiency. Last evaluated: 2022-03-17. Review status: criteria provided, single submitter. Criteria: Invitae Variant Classification Sherloc (09022015). Collection method: clinical testing. Allele origin: germline.
Comment: This sequence change replaces lysine, which is basic and polar, with arginine, which is basic and polar, at codon 108 of the MARS protein (p.Lys108Arg). In summary, the available evidence is currently insufficient to determine the role of this variant in disease. Therefore, it has been classified as a Variant of Uncertain Significance. Algorithms developed to predict the effect of sequence changes on RNA splicing suggest that this variant may disrupt the consensus splice site. Algorithms developed to predict the effect of missense changes on protein structure and function (SIFT, PolyPhen-2, Align-GVGD) all suggest that this variant is likely to be tolerated. This variant has not been reported in the literature in individuals affected with MARS-related conditions. This variant is present in population databases (no rsID available, gnomAD 0.01%).

NM_004990.4(MARS1):c.323A>G (p.Lys108Arg)

Gene: MARS1 (methionyl-tRNA synthetase 1; plus strand). Cytogenetic location: 12q13.3.
Variant type: single nucleotide variant.
Coding change: c.323A>G on transcript NM_004990.4 (MANE Select); coding-DNA position 323, A replaced by G.
Protein change: p.Lys108Arg; replaces lysine 108 with arginine.
Molecular consequence: missense variant.
Genome position (GRCh38, 1-based): chr12:57,489,467, A>G. VCF-style: chr12-57489467-A-G. GRCh37 (hg19) VCF-style: chr12-57883250-A-G.
Other names: c.323A>G (NM_004990.3); short protein forms K108R.
Identifiers: ClinVar variation 1681687 (VCV001681687.10), dbSNP rs1037400402, ClinGen allele CA237807233.